The following is an entry in ClinVar:

NM_001365999.1(SZT2):c.3355C>G (p.Pro1119Ala)

Gene: SZT2 (SZT2 subunit of KICSTOR complex; plus strand). Cytogenetic location: 1p34.2.
Variant type: single nucleotide variant.
Coding change: c.3355C>G on transcript NM_001365999.1 (MANE Select); coding-DNA position 3355, C replaced by G.
Protein change: p.Pro1119Ala; replaces proline 1119 with alanine.
Molecular consequence: missense variant.
Genome position (GRCh38, 1-based): chr1:43,427,101, C>G. VCF-style: chr1-43427101-C-G. GRCh37 (hg19) VCF-style: chr1-43892772-C-G.
Other names: c.3184C>G, p.Pro1062Ala (NM_015284.4); short protein forms P1119A, P1062A.
Identifiers: ClinVar variation 699190 (VCV000699190.41), dbSNP rs137956992, ClinGen allele CA808966.
Genomic context (GRCh38, chr1:43,427,101, plus strand): 5'-GTTTTTCTCTTACAGAGTGTAGGTCTTCCTGAAACTCTCAAGCCTCTCATCTCTGCCCAG[C>G]CCCCTCAGTGGCGCTGCTATGCAAGGCTTGTGAACCCCCAGCATGTGTTTCTGACTTTTC-3'
Protein context (NP_001352928.1, residues 1109-1129): ETLKPLISAQ[Pro1119Ala]PQWRCYARLV

ClinVar aggregate classification (germline): Likely benign. Review status: criteria provided, multiple submitters, no conflicts (2 of 4 stars). 8 submissions from 8 submitters: Likely benign (7). 1 of the submissions does not count toward it. Last evaluated 2025-07-02.

Conditions:
SZT2-related disorder. Also called: SZT2-related condition.
Inborn genetic diseases. Identifiers: MedGen C0950123, MeSH D030342.
Developmental and epileptic encephalopathy, 18 (DEE18). Also called: Early infantile epileptic encephalopathy 18. Identifiers: Orphanet 369894, MedGen C3809624, MONDO:0014201, OMIM 615476.

Allele frequency attached by ClinVar (database versions not stated): gnomAD 0.00024 and 0.00004; gnomAD exomes 0.00032 and 0.00070; ExAC 0.00079; 1000 Genomes Project 0.00100; 1000 Genomes Project 30x 0.00109; TOPMed 0.00007; ESP Exome Variant Server 0.00008.
gnomAD v4.1: 505 of 1,614,228 alleles (0.031%); highest among the groups gnomAD compares: South Asian, 0.47%; 4 homozygotes.

Submissions (8):

Labcorp Genetics (formerly Invitae), Labcorp
Classification: Likely benign. Last evaluated: 2025-07-02. Review status: criteria provided, single submitter. Criteria: Invitae Variant Classification Sherloc (09022015). Collection method: clinical testing. Allele origin: germline.

Blueprint Genetics
Classification: Likely benign. Last evaluated: 2024-11-13. Review status: criteria provided, single submitter. Criteria: ACMG Guidelines, 2015. Collection method: clinical testing. Allele origin: germline.

CeGaT Center for Human Genetics Tuebingen
Classification: Likely benign. Last evaluated: 2024-09-01. Review status: criteria provided, single submitter. Criteria: CeGaT Center For Human Genetics Tuebingen Variant Classification Criteria Version 2. Collection method: clinical testing. Allele origin: germline. Affected: yes. Observed: 3 variant alleles.
Comment: SZT2: BP4

Ambry Genetics
Classification: Likely benign for Inborn genetic diseases. Last evaluated: 2024-04-17. Review status: criteria provided, single submitter. Criteria: Ambry Variant Classification Scheme 2023. Collection method: clinical testing. Allele origin: germline.

Genome-Nilou Lab
Classification: Likely benign for Developmental and epileptic encephalopathy, 18. Last evaluated: 2023-04-11. Review status: criteria provided, single submitter. Criteria: ACMG Guidelines, 2015. Collection method: clinical testing. Allele origin: germline. Affected: no.

Fulgent Genetics
Classification: Likely benign for Developmental and epileptic encephalopathy, 18. Last evaluated: 2021-07-01. Review status: criteria provided, single submitter. Criteria: ACMG Guidelines, 2015. Collection method: clinical testing. Allele origin: unknown.

GeneDx
Classification: Likely benign. Last evaluated: 2020-01-14. Review status: criteria provided, single submitter. Criteria: GeneDx Variant Classification Process June 2021. Collection method: clinical testing. Allele origin: germline. Affected: yes.

PreventionGenetics, part of Exact Sciences
Classification: Likely benign for SZT2-related condition. Last evaluated: 2022-05-06. Review status: no assertion criteria provided. Collection method: clinical testing. Allele origin: germline. Not counted in ClinVar's aggregate classification.
Comment: This variant is classified as likely benign based on ACMG/AMP sequence variant interpretation guidelines (Richards et al. 2015 PMID: 25741868, with internal and published modifications).